The following is an entry in ClinVar:

NM_007294.4(BRCA1):c.4184A>G (p.Gln1395Arg)

Gene: BRCA1 (BRCA1 DNA repair associated; minus strand). Cytogenetic location: 17q21.31.
Variant type: single nucleotide variant.
Coding change: c.4184A>G on transcript NM_007294.4 (MANE Select); coding-DNA position 4184, A replaced by G.
Protein change: p.Gln1395Arg; replaces glutamine 1395 with arginine.
Molecular consequence: missense variant. On other transcripts: non-coding transcript variant (1).
Genome position (GRCh38, 1-based): chr17:43,090,945, T>C on the plus strand (A>G on the coding strand, the complement: BRCA1 is on the minus strand). VCF-style: chr17-43090945-T-C. GRCh37 (hg19) VCF-style: chr17-41242962-T-C.
Other names: 4303A>G; c.4058A>G, p.Gln1353Arg (NM_001407671.1, NM_001407672.1, NM_001407673.1 and 11 more transcripts); c.4061A>G, p.Gln1354Arg (NM_001407674.1, NM_001407675.1, NM_001407863.1 and 19 more transcripts); c.4043A>G, p.Gln1348Arg (NM_001407692.1, NM_001407694.1, NM_001407695.1 and 29 more transcripts); c.4040A>G, p.Gln1347Arg (NM_001407749.1, NM_001407838.1, NM_001407839.1 and 20 more transcripts); c.4184A>G, p.Gln1395Arg (NM_001407854.1, NM_001407858.1, NM_001407859.1 and 30 more transcripts); c.4181A>G, p.Gln1394Arg (NM_001407860.1, NM_001407861.1, NM_001407610.1 and 22 more transcripts); c.3983A>G, p.Gln1328Arg (NM_001407862.1); and 42 more; short protein forms Q1395R, Q1348R, Q292R, Q1324R, Q1353R, Q165R, Q224R, Q225R.
Identifiers: ClinVar variation 55127 (VCV000055127.29), dbSNP rs80356972, ClinGen allele CA002678.
Genomic context (GRCh38, chr17:43,090,945, plus strand): 5'-ACTACTGAATGCAAAGGACACCACACACACGCATGTGCACACACACACACGCTTTTTACC[T>C]GAGTGGTTAAAATGTCACTCTGAGAGGATAGCCCTGAGCAGTCTTCAGAGACGCTTGTTT-3'
Protein context (NP_009225.1, residues 1385-1405): LSSQSDILTT[Gln1395Arg]QRDTMQHNLI

ClinVar aggregate classification (germline): Conflicting classifications of pathogenicity. Review status: criteria provided, conflicting classifications (1 of 4 stars). 10 submissions from 10 submitters: Uncertain significance (7); Likely benign (1). 2 of the submissions do not count toward it. Last evaluated 2025-11-25.

Conditions:
Hereditary cancer-predisposing syndrome. Also called: Hereditary Cancer Syndrome; Hereditary neoplastic syndrome; Neoplastic Syndromes, Hereditary; Tumor predisposition. Identifiers: Orphanet 140162, MedGen C0027672, MeSH D009386, MONDO:0015356.
Hereditary breast ovarian cancer syndrome. Also called: BRCA1- and BRCA2-Associated Hereditary Breast and Ovarian Cancer; Hereditary breast and ovarian cancer syndrome; Hereditary breast and ovarian cancer syndrome (HBOC); Breast and ovarian cancer; Hereditary breast and/or ovarian cancer syndrome; Hereditary breast and ovarian cancer. Identifiers: Orphanet 145, MedGen C0677776, MeSH D061325, MONDO:0003582. Disease mechanism: loss of function.
Breast-ovarian cancer, familial, susceptibility to, 1 (BROVCA1). Also called: BRCA1 Hereditary Breast and Ovarian Cancer; OVARIAN CANCER, SUSCEPTIBILITY TO. Identifiers: Orphanet 145, MedGen C2676676, MONDO:0011450, OMIM 604370. Disease mechanism: loss of function.

Allele frequency attached by ClinVar (database versions not stated): gnomAD exomes below 0.00001.

Submissions 1 to 6 of 10:

Labcorp Genetics (formerly Invitae), Labcorp
Classification: Likely benign for Hereditary breast ovarian cancer syndrome. Last evaluated: 2025-11-25. Review status: criteria provided, single submitter. Criteria: Invitae Variant Classification Sherloc (09022015). Collection method: clinical testing. Allele origin: germline.

Ambry Genetics
Classification: Uncertain significance for Hereditary cancer-predisposing syndrome. Last evaluated: 2025-06-27. Review status: criteria provided, single submitter. Criteria: Ambry Variant Classification Scheme 2023. Collection method: clinical testing. Allele origin: germline.
Comment: The p.Q1395R variant (also known as c.4184A>G), located in coding exon 10 of the BRCA1 gene, results from an A to G substitution at nucleotide position 4184. The glutamine at codon 1395 is replaced by arginine, an amino acid with highly similar properties. This alteration was detected in an a cohort of African American women with early-onset breast cancer (Haffty BG Ann. Oncol. 2009 Oct; 20:1653-9). This alteration was called a variant of uncertain significance by VarCall, a Bayesian hierarchical model estimating the likelihood of pathogenicity given functional data (Woods NT et al. NPJ Genom. Med. 2016 Mar;1). This amino acid position is highly conserved in available vertebrate species. In addition, this alteration is predicted to be deleterious by in silico analysis. Since supporting evidence is limited at this time, the clinical significance of this alteration remains unclear.

Molecular Diagnostics Laboratory, Catalan Institute of Oncology
Classification: Uncertain significance for Hereditary cancer-predisposing syndrome. Last evaluated: 2025-06-16. Review status: criteria provided, single submitter. Criteria: ClinGen BRCA1BRCA2 ACMG Specifications BRCA1 V1.0.0. Collection method: clinical testing. Allele origin: germline.
Comment: PP3, BP5_Moderate c.4184A>G located in exon 11 (12 according to BIC nomenclature) of the BRCA1 gene, is predicted to result in the substitution of glutamine by arginine at codon 1395, p.(Gln1395Arg). This variant is found in 1/260272 in the gnomAD v2.1.1 database, exome non-cancer data set. This position is inside a (potentially) clinically important functional domain. The SpliceAI algorithm predicts that the variant impairs the splicing donor site of intron 20 (deltascore=0.36) but the effect of the variant on protein function is indeterminate (Bayesdel no-AF meta-predictor score for this variant (0.222)(PP3). Missense variant predicted to alter splicing, functional data considered only from assays that measure effect via mRNA and protein. Results from one calibrated study with cDNA based design not considered for code application (PMID:30765603) (PS3 and BS3 not met). Moreover, this alteration was classified as a Likely Benign variant in a multifactorial likelihood analysis showing a Combined LR for clinical data indicative of strong evidence towards benign (LR 0.031), based on co-occurrence LR 1.139 and family history LR 0.027 (PMID: 31131967)(BP5_Moderate). This variant has been reported in the ClinVar database (6x uncertain significance, 2x likely benign) and in BRCA Exchange database as not yet reviewed but has not been identified in the LOVD database. Based on currently available information, the variant c.4184A>G is classified as an uncertain significance variant according to ClinGen-BRCA1 and BRCA2 Guidelines version 1.0.0.

Baylor Genetics
Classification: Uncertain significance for Breast-ovarian cancer, familial, susceptibility to, 1. Last evaluated: 2024-01-05. Review status: criteria provided, single submitter. Criteria: ACMG Guidelines, 2015. Collection method: clinical testing. Allele origin: unknown.

All of Us Research Program, National Institutes of Health
Classification: Uncertain significance for Breast-ovarian cancer, familial, susceptibility to, 1. Last evaluated: 2023-08-28. Review status: criteria provided, single submitter. Criteria: ACMG Guidelines, 2015. Collection method: clinical testing. Allele origin: germline. Inheritance: Autosomal dominant inheritance. Observed: 1 variant allele, 1 heterozygote.
Comment: This missense variant replaces glutamine with arginine at codon 1395 of the BRCA1 protein. Computational prediction is inconclusive regarding the impact of this variant on protein structure and function (internally defined REVEL score threshold 0.5 < inconclusive < 0.7, PMID: 27666373). Functional assays have reported that this variant does not impact transcription activation (PMID: 30765603, 32377563) and disrupted PALB2 binding in a mammalian two-hybrid assay (PMID: 28781887). The reference Gln1395 along with Thr1394 for a TQ motif that may be important for ATM/ATR recognition during DNA damage response and cell cycle checkpoint (PMID: 34301763). This variant has been reported in an individual affected with breast cancer (PMID: 19491284) and multifactorial analysese have reported likelihood ratios for pathogenicity based on co-occurrence with a pathogenic covariant, family history and personal and family history of cancer of 1.1391, 0.0272 and 0.958, respectively (PMID: 31131967, 31853058). This variant has not been identified in the general population by the Genome Aggregation Database (gnomAD). The available evidence is insufficient to determine the role of this variant in disease conclusively. Therefore, this variant is classified as a Variant of Uncertain Significance.

This study involves interpretation of variants in research participants for the purpose of population health screening. Participant phenotype was not available at the time of variant classification. Additional details can be found in publication PMID: 35346344, PMCID: PMC8962531

Color Diagnostics, LLC DBA Color Health
Classification: Uncertain significance for Hereditary cancer-predisposing syndrome. Last evaluated: 2023-08-17. Review status: criteria provided, single submitter. Criteria: ACMG Guidelines, 2015. Collection method: clinical testing. Allele origin: germline.
Comment: This missense variant replaces glutamine with arginine at codon 1395 of the BRCA1 protein. Computational prediction is inconclusive regarding the impact of this variant on protein structure and function (internally defined REVEL score threshold 0.5 < inconclusive < 0.7, PMID: 27666373). Functional assays have reported that this variant does not impact transcription activation (PMID: 30765603, 32377563) and disrupted PALB2 binding in a mammalian two-hybrid assay (PMID: 28781887). The reference Gln1395 along with Thr1394 for a TQ motif that may be important for ATM/ATR recognition during DNA damage response and cell cycle checkpoint (PMID: 34301763). This variant has been reported in an individual affected with breast cancer (PMID: 19491284) and multifactorial analysese have reported likelihood ratios for pathogenicity based on co-occurrence with a pathogenic covariant, family history and personal and family history of cancer of 1.1391, 0.0272 and 0.958, respectively (PMID: 31131967, 31853058). This variant has not been identified in the general population by the Genome Aggregation Database (gnomAD). The available evidence is insufficient to determine the role of this variant in disease conclusively. Therefore, this variant is classified as a Variant of Uncertain Significance.